The following is an entry in ClinVar:

ClinVar aggregate classification (germline): Uncertain significance. Review status: criteria provided, multiple submitters, no conflicts (2 of 4 stars). 2 submissions from 2 submitters: Uncertain significance (2). Last evaluated 2024-01-04.

Conditions:
Inborn genetic diseases. Identifiers: MedGen C0950123, MeSH D030342.
COG8-congenital disorder of glycosylation. Also called: CDG IIh; COG8-CDG. Identifiers: Orphanet 95428, MedGen C1970021, MONDO:0012635, OMIM 611182.

Allele frequency attached by ClinVar (database versions not stated): ExAC 0.00001; gnomAD exomes 0.00001; TOPMed 0.00001.
gnomAD v4.1: 16 of 1,614,176 alleles (0.00099%); highest among the groups gnomAD compares: Non-Finnish European, 0.0014%; no homozygotes.

Submissions (2):

Ambry Genetics
Classification: Uncertain significance for Inborn genetic diseases. Last evaluated: 2024-01-04. Review status: criteria provided, single submitter. Criteria: Ambry Variant Classification Scheme 2023. Collection method: clinical testing. Allele origin: germline.

Juno Genomics, Hangzhou Juno Genomics, Inc
Classification: Uncertain significance for COG8-congenital disorder of glycosylation. Review status: criteria provided, single submitter. Criteria: ACMG Guidelines, 2015. Collection method: clinical testing. Allele origin: germline.
Comment: Absent from controls (or at extremely low frequency if recessive) in Genome Aggregation Database.;Multiple lines of computational evidence support a deleterious effect on the gene or gene product.

NM_032382.5(COG8):c.752G>A (p.Arg251Gln)

Gene: COG8 (component of oligomeric golgi complex 8; minus strand). Cytogenetic location: 16q22.1.
Variant type: single nucleotide variant.
Coding change: c.752G>A on transcript NM_032382.5 (MANE Select); coding-DNA position 752, G replaced by A.
Protein change: p.Arg251Gln; replaces arginine 251 with glutamine.
Molecular consequence: missense variant.
Genome position (GRCh38, 1-based): chr16:69,335,182, C>T on the plus strand (G>A on the coding strand, the complement: COG8 is on the minus strand). VCF-style: chr16-69335182-C-T. GRCh37 (hg19) VCF-style: chr16-69369085-C-T.
Other names: c.752G>A, p.Arg251Gln (NM_001374871.1, NM_001379261.1, NM_001379262.1 and 4 more transcripts); short protein forms R251Q.
Identifiers: ClinVar variation 3147143 (VCV003147143.3), dbSNP rs749837571, ClinGen allele CA8133869.
Genomic context (GRCh38, chr16:69,335,182, plus strand): 5'-ATATGGAAATAGGGATCATCATTAGGAATGGCAGTCAGGATGGACCGGAGCCAAGCATCT[C>T]GGGCCTGAAGAAACTTCACCCTCAACTCAGCCTCAGTGAAGACGTCCATGCGCCGCAGGT-3'
Protein context (NP_115758.3, residues 241-261): AELRVKFLQA[Arg251Gln]DAWLRSILTA